The following is an entry in ClinVar:

NM_019066.5(MAGEL2):c.997G>T (p.Ala333Ser)

Gene: MAGEL2 (MAGE family member L2; minus strand). Cytogenetic location: 15q11.2.
Variant type: single nucleotide variant.
Coding change: c.997G>T on transcript NM_019066.5 (MANE Select); coding-DNA position 997, G replaced by T.
Protein change: p.Ala333Ser; replaces alanine 333 with serine.
Molecular consequence: missense variant.
Genome position (GRCh38, 1-based): chr15:23,646,746, C>A on the plus strand (G>T on the coding strand, the complement: MAGEL2 is on the minus strand). VCF-style: chr15-23646746-C-A. GRCh37 (hg19) VCF-style: chr15-23891893-C-A.
Other names: short protein forms A333S.
Identifiers: ClinVar variation 4883076 (VCV004883076.2).

ClinVar aggregate classification (germline): Uncertain significance (1 of 4 stars; one submission).

Submission:

Dasa
Classification: Uncertain significance. Last evaluated: 2026-04-16. Review status: criteria provided, single submitter. Criteria: DASA Assertion Criteria. Collection method: clinical testing. Allele origin: germline.
Comment: NM_019066.5(MAGEL2):c.997G>T (p.Ala333Ser) is a missense variant that results in the substitution of alanine with serine. This variant is rare in population databases. The currently available literature and clinical evidence are not sufficient to establish a definitive association between this variant and the reported condition. Therefore, this variant is classified as a variant of uncertain significance.